The following is an entry in ClinVar:

ClinVar aggregate classification (germline): Uncertain significance. Review status: criteria provided, multiple submitters, no conflicts (2 of 4 stars). 3 submissions from 3 submitters: Uncertain significance (3). Last evaluated 2026-08-07.

Conditions:
COL4A3-related disorder. Also called: COL4A3-related condition; COL4A3-Related Disorders.
Inborn genetic diseases. Identifiers: MedGen C0950123, MeSH D030342.

gnomAD v4.1: 12 of 1,612,486 alleles (0.00074%); highest among the groups gnomAD compares: African/African-American, 0.013%; no homozygotes.

Submissions (3):

PreventionGenetics, part of Exact Sciences
Classification: Uncertain significance for COL4A3-related condition. Last evaluated: 2026-08-07. Review status: criteria provided, single submitter. Criteria: ACMG Guidelines, 2015. Collection method: clinical testing. Allele origin: germline.
Comment: The COL4A3 c.641C>A variant is predicted to result in the amino acid substitution p.Pro214His. To our knowledge, this variant has not been reported in the literature. This variant is reported in 0.0083% of alleles in individuals of African descent in gnomAD. At this time, the clinical significance of this variant is uncertain due to the absence of conclusive functional and genetic evidence.

Ambry Genetics
Classification: Uncertain significance for Inborn genetic diseases. Last evaluated: 2025-08-20. Review status: criteria provided, single submitter. Criteria: Ambry Variant Classification Scheme 2023. Collection method: clinical testing. Allele origin: germline.

GeneDx
Classification: Uncertain significance. Last evaluated: 2024-01-18. Review status: criteria provided, single submitter. Criteria: GeneDx Variant Classification Process June 2021. Collection method: clinical testing. Allele origin: germline. Affected: yes.
Comment: In silico analysis supports that this missense variant has a deleterious effect on protein structure/function; Has not been previously published as pathogenic or benign to our knowledge; Occurs in the triple helical domain at the X position in the canonical Gly-X-Y repeat; although this variant may have an effect on normal protein folding and function, missense substitution at the X position is not a common mechanism of disease

NM_000091.5(COL4A3):c.641C>A (p.Pro214His)

Genes: COL4A3 (collagen type IV alpha 3 chain; plus strand), MFF-DT (MFF divergent transcript; minus strand). Cytogenetic location: 2q36.3.
Variant type: single nucleotide variant.
Coding change: c.641C>A on transcript NM_000091.5 (MANE Select); coding-DNA position 641, C replaced by A.
Protein change: p.Pro214His; replaces proline 214 with histidine.
Molecular consequence: missense variant.
Genome position (GRCh38, 1-based): chr2:227,251,367, C>A. VCF-style: chr2-227251367-C-A. GRCh37 (hg19) VCF-style: chr2-228116083-C-A.
Other names: short protein forms P214H.
Identifiers: ClinVar variation 3367499 (VCV003367499.3).
Genomic context (GRCh38, chr2:227,251,367, plus strand): 5'-CTGTGATTTTCATTTGTGGATTTTTCTAGGGCTTTCCAGGAGCCATGGGACCTAGAGGAC[C>A]TAAGGTAGACTACAGTTCATATGATGTAACAGCTAGCACACCCTACTCAATCTCAAAGCC-3'
Protein context (NP_000082.2, residues 204-224): GFPGAMGPRG[Pro214His]KGHMGERVIG